The following is an entry in ClinVar:

NM_000182.5(HADHA):c.362A>G (p.Gln121Arg)

Gene: HADHA (hydroxyacyl-CoA dehydrogenase trifunctional multienzyme complex subunit alpha; minus strand). Cytogenetic location: 2p23.3.
Variant type: single nucleotide variant.
Coding change: c.362A>G on transcript NM_000182.5 (MANE Select); coding-DNA position 362, A replaced by G.
Protein change: p.Gln121Arg; replaces glutamine 121 with arginine.
Molecular consequence: missense variant.
Genome position (GRCh38, 1-based): chr2:26,234,308, T>C on the plus strand (A>G on the coding strand, the complement: HADHA is on the minus strand). VCF-style: chr2-26234308-T-C. GRCh37 (hg19) VCF-style: chr2-26457176-T-C.
Other names: c.362A>G (NM_000182.4); short protein forms Q121R.
Identifiers: ClinVar variation 2079574 (VCV002079574.2), dbSNP rs771839962, ClinGen allele CA1559895.
Genomic context (GRCh38, chr2:26,234,308, plus strand): 5'-ATGGCAGCCACAATAGGCTTTGTGGACTTTTCAAGTTTCTCAACTATTCTCTGTGCTTCT[T>C]GTGATAGCTGTGTTACTTCTTGAAGGGTCTTGCAAGCGGCTAACATGCTGCATTATCCAT-3'
Protein context (NP_000173.2, residues 111-131): KTLQEVTQLS[Gln121Arg]EAQRIVEKLE

ClinVar aggregate classification (germline): Uncertain significance. Review status: criteria provided, multiple submitters, no conflicts (2 of 4 stars). 2 submissions from 2 submitters: Uncertain significance (2). Last evaluated 2025-08-05.

Conditions:
HADHA-related disorder. Also called: HADHA-related condition; HADHA-related disorders.
Long chain 3-hydroxyacyl-CoA dehydrogenase deficiency. Also called: Deficiency of long-chain 3-hydroxyacyl-coenzyme A dehydrogenase; LCHAD Deficiency. Identifiers: Orphanet 5, MedGen C3711645, MONDO:0012173, OMIM 609016.
Mitochondrial trifunctional protein deficiency. Identifiers: Orphanet 746, MedGen C1969443, MONDO:0012172.

Allele frequency attached by ClinVar (database versions not stated): gnomAD exomes 0.00001; TOPMed 0.00001; ExAC 0.00002.
gnomAD v4.1: 15 of 1,613,174 alleles (0.00093%); highest among the groups gnomAD compares: Non-Finnish European, 0.0013%; no homozygotes.

Submissions (2):

PreventionGenetics, part of Exact Sciences
Classification: Uncertain significance for HADHA-related condition. Last evaluated: 2025-08-05. Review status: criteria provided, single submitter. Criteria: ACMG Guidelines, 2015. Collection method: clinical testing. Allele origin: germline.
Comment: The HADHA c.362A>G variant is predicted to result in the amino acid substitution p.Gln121Arg. To our knowledge, this variant has not been reported in the literature. This variant is reported in 0.00088% of alleles in individuals of European (Non-Finnish) descent in gnomAD. At this time, the clinical significance of this variant is uncertain due to the absence of conclusive functional and genetic evidence.

Labcorp Genetics (formerly Invitae), Labcorp
Classification: Uncertain significance for Mitochondrial trifunctional protein deficiency; Long chain 3-hydroxyacyl-CoA dehydrogenase deficiency. Last evaluated: 2022-07-11. Review status: criteria provided, single submitter. Criteria: Invitae Variant Classification Sherloc (09022015). Collection method: clinical testing. Allele origin: germline.
Comment: This sequence change replaces glutamine, which is neutral and polar, with arginine, which is basic and polar, at codon 121 of the HADHA protein (p.Gln121Arg). This variant is present in population databases (rs771839962, gnomAD 0.002%). This variant has not been reported in the literature in individuals affected with HADHA-related conditions. Advanced modeling of protein sequence and biophysical properties (such as structural, functional, and spatial information, amino acid conservation, physicochemical variation, residue mobility, and thermodynamic stability) performed at Invitae indicates that this missense variant is not expected to disrupt HADHA protein function. In summary, the available evidence is currently insufficient to determine the role of this variant in disease. Therefore, it has been classified as a Variant of Uncertain Significance.